The following is an entry in ClinVar:

NM_002878.4(RAD51D):c.82+4_82+7dup

Genes: RAD51D (RAD51 paralog D; minus strand), RAD51L3-RFFL (RAD51L3-RFFL readthrough; minus strand). Cytogenetic location: 17q12.
Variant type: Duplication.
Coding change: c.82+4_82+7dup on transcript NM_002878.4 (MANE Select); bases 4 to 7 of the intron after coding-DNA position 82, 4 bases duplicated (ACCG; older notation c.82+4_82+7dupACCG).
Molecular consequence: intron variant.
Genome position (GRCh38, 1-based): chr17:35,119,525-35,119,528, CGGT duplicated on the plus strand (ACCG on the coding strand, the reverse complement: RAD51D is on the minus strand); duplicating any 4 consecutive bases within chr17:35,119,525-35,119,529 gives the same sequence; the c. name uses the placement nearest the transcript's 3' end. VCF-style (leftmost placement, unchanged base first): chr17-35119524-C-CCGGT. GRCh37 (hg19) VCF-style: chr17-33446543-C-CCGGT.
Other names: c.82+4_82+7dup (NM_133629.3, NM_001142571.2).
Identifiers: ClinVar variation 1018103 (VCV001018103.9), dbSNP rs2091796977, ClinGen allele CA2257352029.

ClinVar aggregate classification (germline): Uncertain significance (1 of 4 stars; one submission).

Conditions:
Breast-ovarian cancer, familial, susceptibility to, 4. Identifiers: Orphanet 145, MedGen C3280345, MONDO:0013669, OMIM 614291.

Submission:

Labcorp Genetics (formerly Invitae), Labcorp
Classification: Uncertain significance for Breast-ovarian cancer, familial, susceptibility to, 4. Last evaluated: 2020-02-03. Review status: criteria provided, single submitter. Criteria: Invitae Variant Classification Sherloc (09022015). Collection method: clinical testing. Allele origin: germline.
Comment: In summary, the available evidence is currently insufficient to determine the role of this variant in disease. Therefore, it has been classified as a Variant of Uncertain Significance. Nucleotide substitutions within the consensus splice site are a relatively common cause of aberrant splicing (PMID: 17576681, 9536098). Algorithms developed to predict the effect of sequence changes on RNA splicing suggest that this variant is not likely to affect RNA splicing, but this prediction has not been confirmed by published transcriptional studies. This variant has not been reported in the literature in individuals with RAD51D-related conditions. This variant is not present in population databases (ExAC no frequency). This sequence change falls in intron 1 of the RAD51D gene. It does not directly change the encoded amino acid sequence of the RAD51D protein, but it affects a nucleotide within the consensus splice site of the intron.

Literature cited by the submitters: PubMed 17576681; PubMed 9536098.